The following is an entry in ClinVar:

NM_080669.6(SLC46A1):c.1011C>G (p.Ile337Met)

Gene: SLC46A1 (solute carrier family 46 member 1; minus strand). Cytogenetic location: 17q11.2.
Variant type: single nucleotide variant.
Coding change: c.1011C>G on transcript NM_080669.6 (MANE Select); coding-DNA position 1011, C replaced by G.
Protein change: p.Ile337Met; replaces isoleucine 337 with methionine.
Molecular consequence: missense variant.
Genome position (GRCh38, 1-based): chr17:28,404,686, G>C on the plus strand (C>G on the coding strand, the complement: SLC46A1 is on the minus strand). VCF-style: chr17-28404686-G-C. GRCh37 (hg19) VCF-style: chr17-26731704-G-C.
Other names: c.1011C>G, p.Ile337Met (NM_001242366.3); c.1011C>G (NM_080669.4); short protein forms I337M.
Identifiers: ClinVar variation 1350686 (VCV001350686.6), dbSNP rs141883705, ClinGen allele CA8458243.

ClinVar aggregate classification (germline): Uncertain significance. Review status: criteria provided, multiple submitters, no conflicts (2 of 4 stars). 2 submissions from 2 submitters: Uncertain significance (2). Last evaluated 2025-11-04.

Conditions:
Inborn genetic diseases. Identifiers: MedGen C0950123, MeSH D030342.

gnomAD v4.1: 41 of 1,613,558 alleles (0.0025%); highest among the groups gnomAD compares: Non-Finnish European, 0.0034%; 1 homozygote.

Submissions (2):

Labcorp Genetics (formerly Invitae), Labcorp
Classification: Uncertain significance. Last evaluated: 2025-11-04. Review status: criteria provided, single submitter. Criteria: Invitae Variant Classification Sherloc (09022015). Collection method: clinical testing. Allele origin: germline.
Comment: This sequence change replaces isoleucine with methionine at codon 337 of the SLC46A1 protein (p.Ile337Met). The isoleucine residue is moderately conserved and there is a small physicochemical difference between isoleucine and methionine. The frequency data for this variant in the population databases is considered unreliable, as metrics indicate poor data quality at this position in the gnomAD database. This variant has not been reported in the literature in individuals affected with SLC46A1-related conditions. ClinVar contains an entry for this variant (Variation ID: 1350686). Invitae Evidence Modeling of protein sequence and biophysical properties (such as structural, functional, and spatial information, amino acid conservation, physicochemical variation, residue mobility, and thermodynamic stability) indicates that this missense variant is not expected to disrupt SLC46A1 protein function with a negative predictive value of 80%. In summary, the available evidence is currently insufficient to determine the role of this variant in disease. Therefore, it has been classified as a Variant of Uncertain Significance.

Ambry Genetics
Classification: Uncertain significance for Inborn genetic diseases. Last evaluated: 2024-08-05. Review status: criteria provided, single submitter. Criteria: Ambry Variant Classification Scheme 2023. Collection method: clinical testing. Allele origin: germline.